The following is an entry in ClinVar:

NM_001382567.1(STIM1):c.1634+160C>T

Gene: STIM1 (stromal interaction molecule 1; plus strand). Cytogenetic location: 11p15.4.
Variant type: single nucleotide variant.
Coding change: c.1634+160C>T on transcript NM_001382567.1 (MANE Select); 160 bases into the intron after coding-DNA position 1634, C replaced by T.
Molecular consequence: intron variant. On other transcripts: synonymous variant (2).
Genome position (GRCh38, 1-based): chr11:4,086,703, C>T. VCF-style: chr11-4086703-C-T. GRCh37 (hg19) VCF-style: chr11-4107933-C-T.
Other names: c.1701C>T, p.Ile567= (NM_001277961.3); c.1479C>T, p.Ile493= (NM_001382566.1); c.1319+160C>T (NM_001382578.1, NM_001382575.1, NM_001382576.1 and 2 more transcripts); c.1052+160C>T (NM_001382580.1, NM_001382581.1); c.1562+160C>T (NM_001382568.1); c.1541+160C>T (NM_001277962.2, NM_003156.4); c.1313+160C>T (NM_001382570.1); c.1406+160C>T (NM_001382569.1); and 1 more.
Identifiers: ClinVar variation 5039998 (VCV005039998.1).

ClinVar aggregate classification (germline): Likely benign (1 of 4 stars; one submission).

gnomAD v4.1: 3 of 1,538,804 alleles (0.00019%); highest among the groups gnomAD compares: East Asian, 0.0049%; no homozygotes.

Submission:

CeGaT Center for Human Genetics Tuebingen
Classification: Likely benign. Last evaluated: 2026-07-01. Review status: criteria provided, single submitter. Criteria: CeGaT Center For Human Genetics Tuebingen Variant Classification Criteria Version 2. Collection method: clinical testing. Allele origin: germline. Affected: yes. Observed: 1 variant allele.
Comment: STIM1: BP4, BP7